The following is an entry in ClinVar:

ClinVar aggregate classification (germline): Uncertain significance (1 of 4 stars; one submission).

Conditions:
Deficiency of butyryl-CoA dehydrogenase (ACADSD). Also called: SCADH DEFICIENCY; ACADS DEFICIENCY; Short-Chain Acyl-CoA Dehydrogenase Deficiency; SCAD Deficiency; SCAD DEFICIENCY, MILD; ACYL-CoA DEHYDROGENASE, SHORT-CHAIN, DEFICIENCY OF. Identifiers: Orphanet 26792, MedGen C0342783, MONDO:0008722, OMIM 201470. Disease mechanism: May be benign.

Allele frequency attached by ClinVar (database versions not stated): gnomAD 0.00001 and 0.00002; gnomAD exomes 0.00001 and 0.00004; TOPMed 0.00002; ExAC 0.00003.
gnomAD v4.1: 15 of 1,614,072 alleles (0.00093%); highest among the groups gnomAD compares: East Asian, 0.02%; no homozygotes.

Submission:

Labcorp Genetics (formerly Invitae), Labcorp
Classification: Uncertain significance for Deficiency of butyryl-CoA dehydrogenase. Last evaluated: 2024-06-11. Review status: criteria provided, single submitter. Criteria: Invitae Variant Classification Sherloc (09022015). Collection method: clinical testing. Allele origin: germline.
Comment: This sequence change replaces threonine, which is neutral and polar, with methionine, which is neutral and non-polar, at codon 141 of the ACADS protein (p.Thr141Met). This variant is present in population databases (rs767874760, gnomAD 0.04%). This variant has not been reported in the literature in individuals affected with ACADS-related conditions. ClinVar contains an entry for this variant (Variation ID: 969134). Advanced modeling of protein sequence and biophysical properties (such as structural, functional, and spatial information, amino acid conservation, physicochemical variation, residue mobility, and thermodynamic stability) has been performed at Invitae for this missense variant, however the output from this modeling did not meet the statistical confidence thresholds required to predict the impact of this variant on ACADS protein function. In summary, the available evidence is currently insufficient to determine the role of this variant in disease. Therefore, it has been classified as a Variant of Uncertain Significance.

NM_000017.4(ACADS):c.422C>T (p.Thr141Met)

Gene: ACADS (acyl-CoA dehydrogenase short chain; plus strand). Cytogenetic location: 12q24.31.
Variant type: single nucleotide variant.
Coding change: c.422C>T on transcript NM_000017.4 (MANE Select); coding-DNA position 422, C replaced by T.
Protein change: p.Thr141Met; replaces threonine 141 with methionine.
Molecular consequence: missense variant.
Genome position (GRCh38, 1-based): chr12:120,737,417, C>T. VCF-style: chr12-120737417-C-T. GRCh37 (hg19) VCF-style: chr12-121175220-C-T.
Other names: c.422C>T, p.Thr141Met (NM_001302554.2); short protein forms T141M.
Identifiers: ClinVar variation 969134 (VCV000969134.8), dbSNP rs767874760, ClinGen allele CA6830882.